The following is an entry in ClinVar:

NM_033026.6(PCLO):c.3875A>T (p.Gln1292Leu)

Gene: PCLO (piccolo presynaptic cytomatrix protein; minus strand). Cytogenetic location: 7q21.11.
Variant type: single nucleotide variant.
Coding change: c.3875A>T on transcript NM_033026.6 (MANE Select); coding-DNA position 3875, A replaced by T.
Protein change: p.Gln1292Leu; replaces glutamine 1292 with leucine.
Molecular consequence: missense variant.
Genome position (GRCh38, 1-based): chr7:82,965,913, T>A on the plus strand (A>T on the coding strand, the complement: PCLO is on the minus strand). VCF-style: chr7-82965913-T-A. GRCh37 (hg19) VCF-style: chr7-82595229-T-A.
Other names: c.3875A>T, p.Gln1292Leu (NM_014510.3); short protein forms Q1292L.
Identifiers: ClinVar variation 1373760 (VCV001373760.5), dbSNP rs774187510, ClinGen allele CA4320942.

ClinVar aggregate classification (germline): Uncertain significance (1 of 4 stars; one submission).

Allele frequency attached by ClinVar (database versions not stated): ExAC 0.00001; gnomAD 0.00002; gnomAD exomes 0.00002 and 0.00005; TOPMed 0.00002.
gnomAD v4.1: 71 of 1,613,878 alleles (0.0044%); highest among the groups gnomAD compares: Non-Finnish European, 0.0059%; no homozygotes.

Submission:

Labcorp Genetics (formerly Invitae), Labcorp
Classification: Uncertain significance. Last evaluated: 2025-11-10. Review status: criteria provided, single submitter. Criteria: Invitae Variant Classification Sherloc (09022015). Collection method: clinical testing. Allele origin: germline.
Comment: This sequence change replaces glutamine, which is neutral and polar, with leucine, which is neutral and non-polar, at codon 1292 of the PCLO protein (p.Gln1292Leu). This variant is present in population databases (rs774187510, gnomAD 0.004%). This variant has not been reported in the literature in individuals affected with PCLO-related conditions. ClinVar contains an entry for this variant (Variation ID: 1373760). An algorithm developed to predict the effect of missense changes on protein structure and function outputs the following: PolyPhen-2: "Not Available". The leucine amino acid residue is found in multiple mammalian species, which suggests that this missense change does not adversely affect protein function. In summary, the available evidence is currently insufficient to determine the role of this variant in disease. Therefore, it has been classified as a Variant of Uncertain Significance.